The following is an entry in ClinVar:

ClinVar aggregate classification (germline): Likely pathogenic (1 of 4 stars; one submission).

Submission:

Labcorp Genetics (formerly Invitae), Labcorp
Classification: Likely pathogenic. Last evaluated: 2023-12-10. Review status: criteria provided, single submitter. Criteria: Invitae Variant Classification Sherloc (09022015). Collection method: clinical testing. Allele origin: germline.
Comment: This variant is a gross deletion of the genomic region encompassing exon(s) 14 of the PRPF31 gene, which includes the termination codon. This deletion extends beyond the assayed region for this gene and therefore may encompass additional genes. While this deletion is not anticipated to lead to nonsense mediated decay, it is expected to alter mRNA translation or result in a truncated protein product. A similar copy number variant has been observed in individuals with retinitis pigmentosa (Invitae). Experimental studies and prediction algorithms are not available or were not evaluated, and the functional significance of this variant is currently unknown. In summary, the currently available evidence indicates that the variant is pathogenic, but additional data are needed to prove that conclusively. Therefore, this variant has been classified as Likely Pathogenic.

NC_000019.9:g.(?_54634718)_(54634863_?)del

Gene: PRPF31 (pre-mRNA processing factor 31; plus strand). Cytogenetic location: 19q13.42.
Variant type: Deletion.
Identifiers: ClinVar variation 2426193 (VCV002426193.5).